The following is an entry in ClinVar:

ClinVar aggregate classification (germline): Uncertain significance (1 of 4 stars; one submission).

Allele frequency attached by ClinVar (database versions not stated): gnomAD exomes 0.00002 and 0.00011; gnomAD 0.00004 and 0.00005; TOPMed 0.00007; ExAC 0.00014.

Submission:

Labcorp Genetics (formerly Invitae), Labcorp
Classification: Uncertain significance. Last evaluated: 2022-08-16. Review status: criteria provided, single submitter. Criteria: Invitae Variant Classification Sherloc (09022015). Collection method: clinical testing. Allele origin: germline.
Comment: This variant is present in population databases (rs764392077, gnomAD 0.06%). This variant, c.1014_1025del, results in the deletion of 4 amino acid(s) of the ORC1 protein (p.Ile339_Gly342del), but otherwise preserves the integrity of the reading frame. In summary, the available evidence is currently insufficient to determine the role of this variant in disease. Therefore, it has been classified as a Variant of Uncertain Significance. Experimental studies and prediction algorithms are not available or were not evaluated, and the functional significance of this variant is currently unknown. ClinVar contains an entry for this variant (Variation ID: 1446373). This variant has not been reported in the literature in individuals affected with ORC1-related conditions.

NM_004153.4(ORC1):c.1014_1025del (p.Ile339_Gly342del)

Gene: ORC1 (origin recognition complex subunit 1; minus strand). Cytogenetic location: 1p32.3.
Variant type: Deletion.
Coding change: c.1014_1025del on transcript NM_004153.4 (MANE Select); coding-DNA positions 1014 to 1025, 12 bases deleted (TATCAGTGGGGG).
Protein change: p.Ile339_Gly342del.
Molecular consequence: inframe deletion.
Genome position (GRCh38, 1-based): chr1:52,393,500-52,393,511, CCCCCACTGATA deleted on the plus strand (TATCAGTGGGGG on the coding strand, the reverse complement: ORC1 is on the minus strand). VCF-style (leftmost placement, unchanged base first): chr1-52393499-TCCCCCACTGATA-T. GRCh37 (hg19) VCF-style: chr1-52859171-TCCCCCACTGATA-T.
Other names: c.1014_1025del, p.Ile339_Gly342del (NM_001190818.2, NM_001190819.2).
Identifiers: ClinVar variation 1446373 (VCV001446373.4), dbSNP rs764392077, ClinGen allele CA853460.